The following is an entry in ClinVar:

ClinVar aggregate classification (germline): Uncertain significance (1 of 4 stars; one submission).

Conditions:
X-linked lymphoproliferative disease due to XIAP deficiency. Also called: XIAP DEFICIENCY; XIAP-Related Lymphoproliferative Disease, X-Linked. Identifiers: Orphanet 2442, Orphanet 538934, MedGen C1845076, MONDO:0010385, OMIM 300635.

Submission:

Labcorp Genetics (formerly Invitae), Labcorp
Classification: Uncertain significance for X-linked lymphoproliferative disease due to XIAP deficiency. Last evaluated: 2025-05-07. Review status: criteria provided, single submitter. Criteria: Invitae Variant Classification Sherloc (09022015). Collection method: clinical testing. Allele origin: germline.
Comment: This sequence change replaces glutamic acid, which is acidic and polar, with glycine, which is neutral and non-polar, at codon 211 of the XIAP protein (p.Glu211Gly). This variant is not present in population databases (gnomAD no frequency). This variant has not been reported in the literature in individuals affected with XIAP-related conditions. ClinVar contains an entry for this variant (Variation ID: 860876). Invitae Evidence Modeling of protein sequence and biophysical properties (such as structural, functional, and spatial information, amino acid conservation, physicochemical variation, residue mobility, and thermodynamic stability) indicates that this missense variant is expected to disrupt XIAP protein function with a positive predictive value of 80%. In summary, the available evidence is currently insufficient to determine the role of this variant in disease. Therefore, it has been classified as a Variant of Uncertain Significance.

NM_001167.4(XIAP):c.632A>G (p.Glu211Gly)

Gene: XIAP (X-linked inhibitor of apoptosis; plus strand). Cytogenetic location: Xq25.
Variant type: single nucleotide variant.
Coding change: c.632A>G on transcript NM_001167.4 (MANE Select); coding-DNA position 632, A replaced by G.
Protein change: p.Glu211Gly; replaces glutamic acid 211 with glycine.
Molecular consequence: missense variant.
Genome position (GRCh38, 1-based): chrX:123,886,294, A>G. VCF-style: chrX-123886294-A-G. GRCh37 (hg19) VCF-style: chrX-123020144-A-G.
Other names: c.632A>G, p.Glu211Gly (NM_001204401.2, NM_001378590.1, NM_001378591.1 and 1 more transcripts); short protein forms E211G.
Identifiers: ClinVar variation 860876 (VCV000860876.8), dbSNP rs2053350739, ClinGen allele CA414124116.